The following is an entry in ClinVar:

ClinVar aggregate classification (germline): Uncertain significance (1 of 4 stars; one submission).

Submission:

Labcorp Genetics (formerly Invitae), Labcorp
Classification: Uncertain significance. Last evaluated: 2025-10-25. Review status: criteria provided, single submitter. Criteria: Invitae Variant Classification Sherloc (09022015). Collection method: clinical testing. Allele origin: germline.
Comment: This sequence change creates a premature translational stop signal (p.Pro31Argfs*110) in the FOXI3 gene. It is expected to result in an absent or disrupted protein product. However, the current clinical and genetic evidence is not sufficient to establish whether loss-of-function variants in FOXI3 cause disease. The frequency data for this variant in the population databases is considered unreliable, as metrics indicate insufficient coverage at this position in the gnomAD database. This variant has not been reported in the literature in individuals affected with FOXI3-related conditions. In summary, the available evidence is currently insufficient to determine the role of this variant in disease. Therefore, it has been classified as a Variant of Uncertain Significance.

NM_001135649.3(FOXI3):c.92del (p.Pro31fs)

Gene: FOXI3 (forkhead box I3; minus strand). Cytogenetic location: 2p11.2.
Variant type: Deletion.
Coding change: c.92del on transcript NM_001135649.3 (MANE Select); coding-DNA position 92, one base deleted (C; older notation c.92delC).
Protein change: p.Pro31fs; shifts the reading frame from proline 31.
Molecular consequence: frameshift variant.
Genome position (GRCh38, 1-based): chr2:88,452,444, G deleted on the plus strand (C on the coding strand, the reverse complement: FOXI3 is on the minus strand); the first of 7 consecutive G bases (chr2:88,452,444-88,452,450); deleting any one gives the same sequence. VCF-style (leftmost placement, unchanged base first): chr2-88452443-CG-C. GRCh37 (hg19) VCF-style: chr2-88751961-CG-C.
Other names: short protein forms P31fs.
Identifiers: ClinVar variation 4740598 (VCV004740598.1).
Genomic context (GRCh38, chr2:88,452,443, plus strand): 5'-GTTGGCGGCGGCGGCCGGCGGCGCGGCGTAGTCGGCCAGCCCGTAAGGCGCCCTGGCTGC[CG>C]GGGGGGCGCCCGGGGCGGCGGCGGTGGCGGCGGGCGGGGGCAGGCCGGGCTGCGAATACA-3'